The following is an entry in ClinVar:

NM_000868.4(HTR2C):c.765A>C (p.Glu255Asp)

Genes: HTR2C (5-hydroxytryptamine receptor 2C; plus strand), LOC126863306 (MED14-independent group 3 enhancer GRCh37_chrX:114140926-114142125; plus strand). Cytogenetic location: Xq23.
Variant type: single nucleotide variant.
Coding change: c.765A>C on transcript NM_000868.4 (MANE Select); coding-DNA position 765, A replaced by C.
Protein change: p.Glu255Asp; replaces glutamic acid 255 with aspartic acid.
Molecular consequence: missense variant.
Genome position (GRCh38, 1-based): chrX:114,906,803, A>C. VCF-style: chrX-114906803-A-C. GRCh37 (hg19) VCF-style: chrX-114141366-A-C.
Other names: c.765A>C, p.Glu255Asp (NM_001256760.3); c.670A>C, p.Thr224Pro (NM_001256761.3); short protein forms E255D, T224P.
Identifiers: ClinVar variation 4978604 (VCV004978604.1).

ClinVar aggregate classification (germline): Uncertain significance (1 of 4 stars; one submission).

Conditions:
HTR2C-related disorder. Also called: HTR2C-related condition.

gnomAD v4.1: 2 of 1,210,875 alleles (0.00017%); highest among the groups gnomAD compares: East Asian, 0.003%; no homozygotes.

Submission:

PreventionGenetics, part of Exact Sciences
Classification: Uncertain significance for HTR2C-related condition. Last evaluated: 2026-05-26. Review status: criteria provided, single submitter. Criteria: ACMG Guidelines, 2015. Collection method: clinical testing. Allele origin: germline.
Comment: The HTR2C c.765A>C variant is predicted to result in the amino acid substitution p.Glu255Asp. To our knowledge, this variant has not been reported in the literature or in a large population database (gnomAD), indicating this variant is rare. At this time, the clinical significance of this variant is uncertain due to the absence of conclusive functional and genetic evidence.